The following is an entry in ClinVar:

ClinVar aggregate classification (germline): Uncertain significance (1 of 4 stars; one submission).

Conditions:
CAMTA1-related disorder. Also called: CAMTA1-related condition.

Submission:

PreventionGenetics, part of Exact Sciences
Classification: Uncertain significance for CAMTA1-related condition. Last evaluated: 2025-04-01. Review status: criteria provided, single submitter. Criteria: ACMG Guidelines, 2015. Collection method: clinical testing. Allele origin: germline.
Comment: The CAMTA1 c.4318C>A variant is predicted to result in the amino acid substitution p.Leu1440Met. To our knowledge, this variant has not been reported in the literature or in a large population database (gnomAD), indicating this variant is rare. At this time, the clinical significance of this variant is uncertain due to the absence of conclusive functional and genetic evidence.

NM_015215.4(CAMTA1):c.4318C>A (p.Leu1440Met)

Gene: CAMTA1 (calmodulin binding transcription activator 1; plus strand). Cytogenetic location: 1p36.23.
Variant type: single nucleotide variant.
Coding change: c.4318C>A on transcript NM_015215.4 (MANE Select); coding-DNA position 4318, C replaced by A.
Protein change: p.Leu1440Met; replaces leucine 1440 with methionine.
Molecular consequence: missense variant.
Genome position (GRCh38, 1-based): chr1:7,744,970, C>A. VCF-style: chr1-7744970-C-A. GRCh37 (hg19) VCF-style: chr1-7805030-C-A.
Other names: c.4228C>A, p.Leu1410Met (NM_001349608.2); c.3979C>A, p.Leu1327Met (NM_001349609.2, NM_001349610.2, NM_001410737.1); c.3889C>A, p.Leu1297Met (NM_001349612.2); c.1447C>A, p.Leu483Met (NM_001349613.1); c.1390C>A, p.Leu464Met (NM_001349614.1, NM_001349615.2, NM_001349616.2 and 2 more transcripts); c.1051C>A, p.Leu351Met (NM_001349619.2, NM_001349620.1, NM_001349621.1 and 5 more transcripts); c.3907C>A, p.Leu1303Met (NM_001410738.1); short protein forms L1410M, L351M, L1303M, L464M, L483M, L1327M, L1297M, L1440M.
Identifiers: ClinVar variation 4997715 (VCV004997715.1).